The following is an entry in ClinVar:

ClinVar aggregate classification (germline): Uncertain significance (1 of 4 stars; one submission).

Conditions:
Atrial fibrillation, familial, 7 (ATFB7). Identifiers: MedGen C2677106, MONDO:0012828, OMIM 612240.

Submission:

Labcorp Genetics (formerly Invitae), Labcorp
Classification: Uncertain significance for Atrial fibrillation, familial, 7. Last evaluated: 2021-07-30. Review status: criteria provided, single submitter. Criteria: Invitae Variant Classification Sherloc (09022015). Collection method: clinical testing. Allele origin: germline.
Comment: In summary, the available evidence is currently insufficient to determine the role of this variant in disease. Therefore, it has been classified as a Variant of Uncertain Significance. Algorithms developed to predict the effect of missense changes on protein structure and function (SIFT, PolyPhen-2, Align-GVGD) all suggest that this variant is likely to be disruptive, but these predictions have not been confirmed by published functional studies and their clinical significance is uncertain. This variant has not been reported in the literature in individuals with KCNA5-related conditions. This variant is not present in population databases (ExAC no frequency). This sequence change replaces valine with alanine at codon 257 of the KCNA5 protein (p.Val257Ala). The valine residue is highly conserved and there is a small physicochemical difference between valine and alanine.

NM_002234.4(KCNA5):c.770T>C (p.Val257Ala)

Gene: KCNA5 (potassium voltage-gated channel subfamily A member 5; plus strand). Cytogenetic location: 12p13.32.
Variant type: single nucleotide variant.
Coding change: c.770T>C on transcript NM_002234.4 (MANE Select); coding-DNA position 770, T replaced by C.
Protein change: p.Val257Ala; replaces valine 257 with alanine.
Molecular consequence: missense variant.
Genome position (GRCh38, 1-based): chr12:5,044,917, T>C. VCF-style: chr12-5044917-T-C. GRCh37 (hg19) VCF-style: chr12-5154083-T-C.
Other names: short protein forms V257A.
Identifiers: ClinVar variation 998896 (VCV000998896.8), dbSNP rs1565465513, ClinGen allele CA383465122.